The following is an entry in ClinVar:

NM_001148.6(ANK2):c.3592G>T (p.Ala1198Ser)

Gene: ANK2 (ankyrin 2; plus strand). Cytogenetic location: 4q26.
Variant type: single nucleotide variant.
Coding change: c.3592G>T on transcript NM_001148.6 (MANE Select); coding-DNA position 3592, G replaced by T.
Protein change: p.Ala1198Ser; replaces alanine 1198 with serine.
Molecular consequence: missense variant. On other transcripts: 5 prime UTR variant (2).
Genome position (GRCh38, 1-based): chr4:113,336,577, G>T. VCF-style: chr4-113336577-G-T. GRCh37 (hg19) VCF-style: chr4-114257733-G-T.
Other names: c.3565G>T, p.Ala1189Ser (NM_001127493.3); c.3604G>T, p.Ala1202Ser (NM_001354225.2); c.3493G>T, p.Ala1165Ser (NM_001354228.2, NM_001354258.2); c.3571G>T, p.Ala1191Ser (NM_001354230.2); c.3634G>T, p.Ala1212Ser (NM_001354231.2, NM_001354242.2); c.3628G>T, p.Ala1210Ser (NM_001354232.2); c.3589G>T, p.Ala1197Ser (NM_001354235.2, NM_001354246.2, NM_001354265.2); c.3490G>T, p.Ala1164Ser (NM_001354236.2); and 31 more; short protein forms A1070S, A1111S, A1123S, A1136S, A1144S, A1177S, A1098S, A1103S.
Identifiers: ClinVar variation 4752593 (VCV004752593.1).
Genomic context (GRCh38, chr4:113,336,577, plus strand): 5'-TCATTCTTTATTTTAAAATATATACACAAATATATATGTGTGTGTTTTTACTTTGAAAAG[G>T]CTCAACCTATGCACAGTGAGCTGGTTAAGAAGATCCTAGGCAACAAAGCTACCTTCAGCC-3'
Protein context (NP_001139.3, residues 1188-1208): LTKRIRVGLQ[Ala1198Ser]QPMHSELVKK

ClinVar aggregate classification (germline): Uncertain significance (1 of 4 stars; one submission).

Conditions:
Long QT syndrome (LQTS). Identifiers: MedGen C0023976, MeSH D008133, MONDO:0002442. Disease mechanism: loss of function. Inheritance: Various modes of inheritance.

gnomAD v4.1: 11 of 1,613,584 alleles (0.00068%); highest among the groups gnomAD compares: South Asian, 0.0033%; no homozygotes.

Submission:

Labcorp Genetics (formerly Invitae), Labcorp
Classification: Uncertain significance for Long QT syndrome. Last evaluated: 2026-02-03. Review status: criteria provided, single submitter. Criteria: Invitae Variant Classification Sherloc (09022015). Collection method: clinical testing. Allele origin: germline.
Comment: This sequence change replaces alanine, which is neutral and non-polar, with serine, which is neutral and polar, at codon 1198 of the ANK2 protein (p.Ala1198Ser). This variant is present in population databases (rs201424485, gnomAD 0.003%). This variant has not been reported in the literature in individuals affected with ANK2-related conditions. An algorithm developed to predict the effect of missense changes on protein structure and function (PolyPhen-2) suggests that this variant is likely to be disruptive. Algorithms developed to predict the effect of sequence changes on RNA splicing suggest that this variant may disrupt the consensus splice site. In summary, the available evidence is currently insufficient to determine the role of this variant in disease. Therefore, it has been classified as a Variant of Uncertain Significance.